The following is an entry in ClinVar:

ClinVar aggregate classification (germline): Benign/Likely benign. Review status: criteria provided, multiple submitters, no conflicts (2 of 4 stars). 4 submissions from 4 submitters: Benign (1); Likely benign (3). Last evaluated 2026-06-05.

Conditions:
Hereditary cancer-predisposing syndrome. Also called: Neoplastic Syndromes, Hereditary; Hereditary Cancer Syndrome; Tumor predisposition; Hereditary neoplastic syndrome. Identifiers: Orphanet 140162, MedGen C0027672, MeSH D009386, MONDO:0015356.
Gastrointestinal stromal tumor. Also called: Gastrointestinal stromal tumor, somatic; Gastrointestinal stroma tumor. Identifiers: Orphanet 44890, MedGen C0238198, MeSH D046152, MONDO:0011719, OMIM 606764, HP:0100723.

Allele frequency attached by ClinVar (database versions not stated): gnomAD 0.00001; TOPMed 0.00001; gnomAD exomes 0.00002; ExAC 0.00003.
gnomAD v4.1: 36 of 1,613,984 alleles (0.0022%); highest among the groups gnomAD compares: South Asian, 0.0066%; no homozygotes.

Submissions (4):

Myriad Genetics, Inc.
Classification: Benign for Gastrointestinal stromal tumor. Last evaluated: 2026-06-05. Review status: criteria provided, single submitter. Criteria: Myriad Autosomal Dominant, Autosomal Recessive and X-Linked Classification Criteria (2023). Collection method: clinical testing. Allele origin: unknown.
Comment: This variant is considered benign. This variant is a silent/synonymous amino acid change and it is not expected to impact splicing.

Labcorp Genetics (formerly Invitae), Labcorp
Classification: Likely benign for Gastrointestinal stromal tumor. Last evaluated: 2026-01-27. Review status: criteria provided, single submitter. Criteria: Invitae Variant Classification Sherloc (09022015). Collection method: clinical testing. Allele origin: germline.

CeGaT Center for Human Genetics Tuebingen
Classification: Likely benign. Last evaluated: 2023-10-01. Review status: criteria provided, single submitter. Criteria: CeGaT Center For Human Genetics Tuebingen Variant Classification Criteria Version 2. Collection method: clinical testing. Allele origin: germline. Affected: yes. Observed: 1 variant allele.
Comment: KIT: BP4, BP7

Ambry Genetics
Classification: Likely benign for Hereditary cancer-predisposing syndrome. Last evaluated: 2019-02-28. Review status: criteria provided, single submitter. Criteria: Ambry Variant Classification Scheme 2023. Collection method: clinical testing. Allele origin: germline.

NM_000222.3(KIT):c.2625C>T (p.Val875=)

Gene: KIT (KIT proto-oncogene, receptor tyrosine kinase; plus strand). Cytogenetic location: 4q12.
Variant type: single nucleotide variant.
Coding change: c.2625C>T on transcript NM_000222.3 (MANE Select); coding-DNA position 2625, C replaced by T.
Protein change: p.Val875=; no amino-acid change (valine 875 retained).
Molecular consequence: synonymous variant.
Genome position (GRCh38, 1-based): chr4:54,736,749, C>T. VCF-style: chr4-54736749-C-T. GRCh37 (hg19) VCF-style: chr4-55602915-C-T.
Other names: c.2613C>T, p.Val871= (NM_001093772.2, NM_001385292.1); c.2628C>T, p.Val876= (NM_001385284.1); c.2622C>T, p.Val874= (NM_001385285.1); c.2610C>T, p.Val870= (NM_001385286.1); c.2616C>T, p.Val872= (NM_001385288.1); c.2625C>T, p.Val875= (NM_001385290.1).
Identifiers: ClinVar variation 528716 (VCV000528716.40), dbSNP rs748588125, ClinGen allele CA2923815.